The following is an entry in ClinVar:

NM_006236.3(POU3F3):c.340G>T (p.Ala114Ser)

Gene: POU3F3 (POU class 3 homeobox 3; plus strand). Cytogenetic location: 2q12.1.
Variant type: single nucleotide variant.
Coding change: c.340G>T on transcript NM_006236.3 (MANE Select); coding-DNA position 340, G replaced by T.
Protein change: p.Ala114Ser; replaces alanine 114 with serine.
Molecular consequence: missense variant.
Genome position (GRCh38, 1-based): chr2:104,855,850, G>T. VCF-style: chr2-104855850-G-T. GRCh37 (hg19) VCF-style: chr2-105472308-G-T.
Other names: short protein forms A114S.
Identifiers: ClinVar variation 2030886 (VCV002030886.4), dbSNP rs1477147674, ClinGen allele CA348096534.
Genomic context (GRCh38, chr2:104,855,850, plus strand): 5'-GCGCACCAGTGGGTCACAGCCCTGCCCCACGCCGCCGCCGCCGCCGCCGCTGCCGCCGCC[G>T]CCGCCGTGGAGGCGAGCTCGCCGTGGTCGGGCAGCGCCGTGGGCATGGCTGGCAGCCCCC-3'
Protein context (NP_006227.1, residues 104-124): AAAAAAAAAA[Ala114Ser]AVEASSPWSG

ClinVar aggregate classification (germline): Uncertain significance (1 of 4 stars; one submission).

Submission:

Labcorp Genetics (formerly Invitae), Labcorp
Classification: Uncertain significance. Last evaluated: 2023-09-30. Review status: criteria provided, single submitter. Criteria: Invitae Variant Classification Sherloc (09022015). Collection method: clinical testing. Allele origin: germline.
Comment: This sequence change replaces alanine, which is neutral and non-polar, with serine, which is neutral and polar, at codon 114 of the POU3F3 protein (p.Ala114Ser). The frequency data for this variant in the population databases is considered unreliable, as metrics indicate insufficient coverage at this position in the gnomAD database. This variant has not been reported in the literature in individuals affected with POU3F3-related conditions. ClinVar contains an entry for this variant (Variation ID: 2030886). An algorithm developed to predict the effect of missense changes on protein structure and function (PolyPhen-2) suggests that this variant is likely to be tolerated. In summary, the available evidence is currently insufficient to determine the role of this variant in disease. Therefore, it has been classified as a Variant of Uncertain Significance.